The following is an entry in ClinVar:

NM_004863.4(SPTLC2):c.68G>A (p.Gly23Glu)

Gene: SPTLC2 (serine palmitoyltransferase long chain base subunit 2; minus strand). Cytogenetic location: 14q24.3.
Variant type: single nucleotide variant.
Coding change: c.68G>A on transcript NM_004863.4 (MANE Select); coding-DNA position 68, G replaced by A.
Protein change: p.Gly23Glu; replaces glycine 23 with glutamic acid.
Molecular consequence: missense variant.
Genome position (GRCh38, 1-based): chr14:77,616,512, C>T on the plus strand (G>A on the coding strand, the complement: SPTLC2 is on the minus strand). VCF-style: chr14-77616512-C-T. GRCh37 (hg19) VCF-style: chr14-78082855-C-T.
Other names: c.68G>A (NM_004863.3); short protein forms G23E.
Identifiers: ClinVar variation 1415988 (VCV001415988.7), dbSNP rs1474895929, ClinGen allele CA390712361.

ClinVar aggregate classification (germline): Uncertain significance. Review status: criteria provided, multiple submitters, no conflicts (2 of 4 stars). 2 submissions from 2 submitters: Uncertain significance (2). Last evaluated 2024-12-04.

Conditions:
Neuropathy, hereditary sensory and autonomic, type 1C. Also called: HSAN IC; HSN IC. Identifiers: Orphanet 36386, MedGen C3150896, MONDO:0013337, OMIM 613640.
Inborn genetic diseases. Identifiers: MedGen C0950123, MeSH D030342.

Allele frequency attached by ClinVar (database versions not stated): gnomAD exomes 0.00002.

Submissions (2):

Ambry Genetics
Classification: Uncertain significance for Inborn genetic diseases. Last evaluated: 2024-12-04. Review status: criteria provided, single submitter. Criteria: Ambry Variant Classification Scheme 2023. Collection method: clinical testing. Allele origin: germline.

Labcorp Genetics (formerly Invitae), Labcorp
Classification: Uncertain significance for Neuropathy, hereditary sensory and autonomic, type 1C. Last evaluated: 2023-02-16. Review status: criteria provided, single submitter. Criteria: Invitae Variant Classification Sherloc (09022015). Collection method: clinical testing. Allele origin: germline.
Comment: In summary, the available evidence is currently insufficient to determine the role of this variant in disease. Therefore, it has been classified as a Variant of Uncertain Significance. An algorithm developed to predict the effect of missense changes on protein structure and function (PolyPhen-2) suggests that this variant is likely to be tolerated. This variant is not present in population databases (gnomAD no frequency). ClinVar contains an entry for this variant (Variation ID: 1415988). This variant has not been reported in the literature in individuals affected with SPTLC2-related conditions. This sequence change replaces glycine, which is neutral and non-polar, with glutamic acid, which is acidic and polar, at codon 23 of the SPTLC2 protein (p.Gly23Glu).